The following is an entry in ClinVar:

NM_005188.4(CBL):c.2132T>C (p.Leu711Ser)

Gene: CBL (Cbl proto-oncogene; plus strand). Cytogenetic location: 11q23.3.
Variant type: single nucleotide variant.
Coding change: c.2132T>C on transcript NM_005188.4 (MANE Select); coding-DNA position 2132, T replaced by C.
Protein change: p.Leu711Ser; replaces leucine 711 with serine.
Molecular consequence: missense variant.
Genome position (GRCh38, 1-based): chr11:119,297,013, T>C. VCF-style: chr11-119297013-T-C. GRCh37 (hg19) VCF-style: chr11-119167723-T-C.
Other names: short protein forms L711S.
Identifiers: ClinVar variation 3485631 (VCV003485631.1).
Genomic context (GRCh38, chr11:119,297,013, plus strand): 5'-AATGTGAGGGTGAAGAGGACACAGAGTACATGACTCCCTCTTCCAGGCCTCTACGGCCTT[T>C]GGATACATCCCAGAGTTCACGGTAGGTTCACAACAACCCTTTTTGGGCCCTATACCTTTA-3'
Protein context (NP_005179.2, residues 701-721): MTPSSRPLRP[Leu711Ser]DTSQSSRACD

ClinVar aggregate classification (germline): Uncertain significance (1 of 4 stars; one submission).

Conditions:
Cardiovascular phenotype. Identifiers: MedGen CN230736.

gnomAD v4.1: 1 of 1,588,458 alleles (0.000063%); highest among the groups gnomAD compares: Non-Finnish European, 0.000086%; no homozygotes.

Submission:

Ambry Genetics
Classification: Uncertain significance for Cardiovascular phenotype. Last evaluated: 2024-12-05. Review status: criteria provided, single submitter. Criteria: Ambry Variant Classification Scheme 2023. Collection method: clinical testing. Allele origin: germline.
Comment: The p.L711S variant (also known as c.2132T>C), located in coding exon 13 of the CBL gene, results from a T to C substitution at nucleotide position 2132. The leucine at codon 711 is replaced by serine, an amino acid with dissimilar properties. This amino acid position is conserved. In addition, this alteration is predicted to be tolerated by in silico analysis. Based on the available evidence, the clinical significance of this variant remains unclear.